The following is an entry in ClinVar:

ClinVar aggregate classification (germline): Uncertain significance. Review status: criteria provided, multiple submitters, no conflicts (2 of 4 stars). 2 submissions from 2 submitters: Uncertain significance (2). Last evaluated 2026-01-19.

Conditions:
Inborn genetic diseases. Identifiers: MedGen C0950123, MeSH D030342.

Allele frequency attached by ClinVar (database versions not stated): ExAC 0.00001.
gnomAD v4.1: 9 of 1,613,938 alleles (0.00056%); highest among the groups gnomAD compares: Admixed American, 0.012%; no homozygotes.

Submissions (2):

Labcorp Genetics (formerly Invitae), Labcorp
Classification: Uncertain significance. Last evaluated: 2026-01-19. Review status: criteria provided, single submitter. Criteria: Invitae Variant Classification Sherloc (09022015). Collection method: clinical testing. Allele origin: germline.
Comment: This sequence change replaces serine, which is neutral and polar, with isoleucine, which is neutral and non-polar, at codon 256 of the RUNX2 protein (p.Ser256Ile). This variant is present in population databases (rs776708490, gnomAD 0.01%). This variant has not been reported in the literature in individuals affected with RUNX2-related conditions. ClinVar contains an entry for this variant (Variation ID: 1990972). Invitae Evidence Modeling of protein sequence and biophysical properties (such as structural, functional, and spatial information, amino acid conservation, physicochemical variation, residue mobility, and thermodynamic stability) indicates that this missense variant is not expected to disrupt RUNX2 protein function with a negative predictive value of 80%. In summary, the available evidence is currently insufficient to determine the role of this variant in disease. Therefore, it has been classified as a Variant of Uncertain Significance.

Ambry Genetics
Classification: Uncertain significance for Inborn genetic diseases. Last evaluated: 2024-12-14. Review status: criteria provided, single submitter. Criteria: Ambry Variant Classification Scheme 2023. Collection method: clinical testing. Allele origin: germline.

NM_001024630.4(RUNX2):c.767G>T (p.Ser256Ile)

Gene: RUNX2 (RUNX family transcription factor 2; plus strand). Cytogenetic location: 6p21.1.
Variant type: single nucleotide variant.
Coding change: c.767G>T on transcript NM_001024630.4 (MANE Select); coding-DNA position 767, G replaced by T.
Protein change: p.Ser256Ile; replaces serine 256 with isoleucine.
Molecular consequence: missense variant.
Genome position (GRCh38, 1-based): chr6:45,492,022, G>T. VCF-style: chr6-45492022-G-T. GRCh37 (hg19) VCF-style: chr6-45459759-G-T.
Other names: c.767G>T (NM_001024630.3); c.767G>T, p.Ser256Ile (NM_001015051.4); c.725G>T, p.Ser242Ile (NM_001278478.2, NM_001369405.1, NM_004348.3); short protein forms S242I, S256I.
Identifiers: ClinVar variation 1990972 (VCV001990972.5), dbSNP rs776708490, ClinGen allele CA3836489.